The following is an entry in ClinVar:

ClinVar aggregate classification (germline): Uncertain significance. Review status: criteria provided, multiple submitters, no conflicts (2 of 4 stars). 5 submissions from 5 submitters: Uncertain significance (4). 1 of the submissions does not count toward it. Last evaluated 2025-10-07.

Conditions:
Inborn genetic diseases. Identifiers: MedGen C0950123, MeSH D030342.
Glycine encephalopathy. Also called: Non-ketotic hyperglycinemia; Nonketotic hyperglycinemia. Identifiers: Orphanet 407, MedGen C0751748, MONDO:0011612, HP:0008288.

Allele frequency attached by ClinVar (database versions not stated): ExAC 0.00006; gnomAD 0.00006 and 0.00007; gnomAD exomes 0.00007 and 0.00008; TOPMed 0.00011; ESP Exome Variant Server 0.00023.

Submissions (5):

GeneDx
Classification: Uncertain significance. Last evaluated: 2025-10-07. Review status: criteria provided, single submitter. Criteria: GeneDx Variant Classification Process June 2021. Collection method: clinical testing. Allele origin: germline. Affected: yes.
Comment: Not observed at significant frequency in large population cohorts (gnomAD); In silico analysis supports that this missense variant has a deleterious effect on protein structure/function; Has not been previously published as pathogenic or benign to our knowledge

Labcorp Genetics (formerly Invitae), Labcorp
Classification: Uncertain significance for Glycine encephalopathy. Last evaluated: 2022-08-19. Review status: criteria provided, single submitter. Criteria: Invitae Variant Classification Sherloc (09022015). Collection method: clinical testing. Allele origin: germline.
Comment: This sequence change replaces arginine, which is basic and polar, with lysine, which is basic and polar, at codon 374 of the GLDC protein (p.Arg374Lys). This variant is present in population databases (rs141065026, gnomAD 0.01%). This variant has not been reported in the literature in individuals affected with GLDC-related conditions. ClinVar contains an entry for this variant (Variation ID: 966949). Advanced modeling of protein sequence and biophysical properties (such as structural, functional, and spatial information, amino acid conservation, physicochemical variation, residue mobility, and thermodynamic stability) performed at Invitae indicates that this missense variant is expected to disrupt GLDC protein function. In summary, the available evidence is currently insufficient to determine the role of this variant in disease. Therefore, it has been classified as a Variant of Uncertain Significance.

Fulgent Genetics
Classification: Uncertain significance for Glycine encephalopathy 1. Last evaluated: 2022-04-01. Review status: criteria provided, single submitter. Criteria: ACMG Guidelines, 2015. Collection method: clinical testing. Allele origin: unknown.

Ambry Genetics
Classification: Uncertain significance for Inborn genetic diseases. Last evaluated: 2021-07-09. Review status: criteria provided, single submitter. Criteria: Ambry Variant Classification Scheme 2023. Collection method: clinical testing. Allele origin: germline.

Natera, Inc.
Classification: Uncertain significance for Non-ketotic hyperglycinemia. Last evaluated: 2020-04-13. Review status: no assertion criteria provided. Collection method: clinical testing. Allele origin: germline. Not counted in ClinVar's aggregate classification.

NM_000170.3(GLDC):c.1121G>A (p.Arg374Lys)

Gene: GLDC (glycine decarboxylase; minus strand). Cytogenetic location: 9p24.1.
Variant type: single nucleotide variant.
Coding change: c.1121G>A on transcript NM_000170.3 (MANE Select); coding-DNA position 1121, G replaced by A.
Protein change: p.Arg374Lys; replaces arginine 374 with lysine.
Molecular consequence: missense variant.
Genome position (GRCh38, 1-based): chr9:6,602,143, C>T on the plus strand (G>A on the coding strand, the complement: GLDC is on the minus strand). VCF-style: chr9-6602143-C-T. GRCh37 (hg19) VCF-style: chr9-6602143-C-T.
Other names: short protein forms R374K.
Identifiers: ClinVar variation 966949 (VCV000966949.10), dbSNP rs141065026, ClinGen allele CA4980858.